The following is an entry in ClinVar:

NM_002049.4(GATA1):c.220G>C (p.Val74Leu)

Gene: GATA1 (GATA binding protein 1; plus strand). Cytogenetic location: Xp11.23.
Variant type: single nucleotide variant.
Coding change: c.220G>C on transcript NM_002049.4 (MANE Select); coding-DNA position 220, G replaced by C.
Protein change: p.Val74Leu; replaces valine 74 with leucine.
Molecular consequence: missense variant.
Genome position (GRCh38, 1-based): chrX:48,791,329, G>C. VCF-style: chrX-48791329-G-C. GRCh37 (hg19) VCF-style: chrX-48649736-G-C.
Other names: 332G-C.
Identifiers: ClinVar variation 156266 (VCV000156266.8), dbSNP rs587776452, ClinGen allele CA345938.

ClinVar aggregate classification (germline): Pathogenic. Review status: criteria provided, single submitter (1 of 4 stars). 3 submissions from 3 submitters: Pathogenic (1). 2 of the submissions do not count toward it. Last evaluated 2021-05-20.

Conditions:
GATA binding protein 1 related thrombocytopenia with dyserythropoiesis. Also called: GATA1-Related X-Linked Cytopenia; GATA1-Related Cytopenia. Identifiers: MedGen C1845837, MONDO:0100089.
Diamond-Blackfan anemia. Also called: Blackfan Diamond syndrome; Aregenerative anemia chronic congenital; Red cell aplasia, pure hereditary; Congenital hypoplastic anemia; Aase syndrome. Identifiers: Orphanet 124, MedGen C1260899, MeSH D029503, MONDO:0015253, HP:0004810.
Thrombocytopenia, X-linked, with or without dyserythropoietic anemia (XLTDA). Identifiers: Orphanet 67044, MedGen C3550789, MONDO:0010308, OMIM 300367.
X-linked dyserythropoetic anemia with abnormal platelets and neutropenia. Also called: ANEMIA, X-LINKED, WITH OR WITHOUT NEUTROPENIA AND/OR PLATELET ABNORMALITIES. Identifiers: Orphanet 363727, MedGen C3550856, MONDO:0010444, OMIM 300835.

Submissions (3):

Labcorp Genetics (formerly Invitae), Labcorp
Classification: Pathogenic for GATA binding protein 1 related thrombocytopenia with dyserythropoiesis; Diamond-Blackfan anemia. Last evaluated: 2021-05-20. Review status: criteria provided, single submitter. Criteria: Invitae Variant Classification Sherloc (09022015). Collection method: clinical testing. Allele origin: germline.
Comment: For these reasons, this variant has been classified as Pathogenic. Nucleotide substitutions within the consensus splice site are a relatively common cause of aberrant splicing (PMID: 17576681, 9536098). Studies have shown that this variant is associated with skipping of exon 2 and is expected to result in the loss of the initiator methionine (PMID: 22706301,16783397). Algorithms developed to predict the effect of missense changes on protein structure and function (SIFT, PolyPhen-2, Align-GVGD) all suggest that this variant is likely to be tolerated, but these predictions have not been confirmed by published functional studies and their clinical significance is uncertain. This variant has been observed in individual(s) with GATA1-related conditions (PMID: 16783379, 22706301, 24766296, 30503522). It has also been observed to segregate with disease in related individuals. This variant is also known as 332G>C and 48649736G>C. ClinVar contains an entry for this variant (Variation ID: 156266). This variant is not present in population databases (ExAC no frequency). This sequence change replaces valine with leucine at codon 74 of the GATA1 protein (p.Val74Leu). The valine residue is moderately conserved and there is a small physicochemical difference between valine and leucine. RNA analysis indicates that this variant induces altered splicing and is likely to result in the loss of the initiator methionine.

OMIM
Classification: Pathogenic for ANEMIA, X-LINKED, WITH OR WITHOUT NEUTROPENIA AND/OR PLATELET ABNORMALITIES. Last evaluated: 2012-07-02. Review status: no assertion criteria provided. Collection method: literature only. Allele origin: germline. Not counted in ClinVar's aggregate classification.

GeneReviews
No classification provided. Condition: Thrombocytopenia, X-linked, with or without dyserythropoietic anemia. Review status: no classification provided. Collection method: literature only. Allele origin: germline. Not counted in ClinVar's aggregate classification.
Comment: Alternation of the last nucleotide of exon 2; predicted to affect splicing.

Literature cited by the submitters: PubMed 17576681 (cited by Labcorp Genetics (formerly Invitae), Labcorp); PubMed 9536098 (cited by Labcorp Genetics (formerly Invitae), Labcorp); PubMed 22706301 (cited by 3 submitters); PubMed 16783397 (cited by Labcorp Genetics (formerly Invitae), Labcorp); PubMed 16783379 (cited by Labcorp Genetics (formerly Invitae), Labcorp and OMIM); PubMed 24766296 (cited by Labcorp Genetics (formerly Invitae), Labcorp and OMIM); PubMed 30503522 (cited by Labcorp Genetics (formerly Invitae), Labcorp); PubMed 15895080 (cited by OMIM); PubMed 20301538 (cited by GeneReviews).